The following is an entry in ClinVar:

ClinVar aggregate classification (germline): Uncertain significance (1 of 4 stars; one submission).

Submission:

GeneDx
Classification: Uncertain significance. Last evaluated: 2024-09-24. Review status: criteria provided, single submitter. Criteria: GeneDx Variant Classification Process June 2021. Collection method: clinical testing. Allele origin: germline. Affected: yes.
Comment: Not observed at significant frequency in large population cohorts (gnomAD); In silico analysis supports that this missense variant has a deleterious effect on protein structure/function; This variant is associated with the following publications: (PMID: 36048236, 26043044)

NM_004004.6(GJB2):c.293G>C (p.Arg98Pro)

Gene: GJB2 (gap junction protein beta 2; minus strand). Cytogenetic location: 13q12.11.
Variant type: single nucleotide variant.
Coding change: c.293G>C on transcript NM_004004.6 (MANE Select); coding-DNA position 293, G replaced by C.
Protein change: p.Arg98Pro; replaces arginine 98 with proline.
Molecular consequence: missense variant.
Genome position (GRCh38, 1-based): chr13:20,189,289, C>G on the plus strand (G>C on the coding strand, the complement: GJB2 is on the minus strand). VCF-style: chr13-20189289-C-G. GRCh37 (hg19) VCF-style: chr13-20763428-C-G.
Other names: short protein forms R98P.
Identifiers: ClinVar variation 3773926 (VCV003773926.1).